The following is an entry in ClinVar:

NM_015450.3(POT1):c.1630A>C (p.Met544Leu)

Gene: POT1 (protection of telomeres 1; minus strand). Cytogenetic location: 7q31.33.
Variant type: single nucleotide variant.
Coding change: c.1630A>C on transcript NM_015450.3 (MANE Select); coding-DNA position 1630, A replaced by C.
Protein change: p.Met544Leu; replaces methionine 544 with leucine.
Molecular consequence: missense variant. On other transcripts: non-coding transcript variant (3).
Genome position (GRCh38, 1-based): chr7:124,827,270, T>G on the plus strand (A>C on the coding strand, the complement: POT1 is on the minus strand). VCF-style: chr7-124827270-T-G. GRCh37 (hg19) VCF-style: chr7-124467324-T-G.
Other names: c.1237A>C, p.Met413Leu (NM_001042594.2); short protein forms M413L, M544L.
Identifiers: ClinVar variation 4862385 (VCV004862385.1).

ClinVar aggregate classification (germline): Uncertain significance (1 of 4 stars; one submission).

Conditions:
Hereditary cancer-predisposing syndrome. Also called: Neoplastic Syndromes, Hereditary; Tumor predisposition; Hereditary Cancer Syndrome; Hereditary neoplastic syndrome. Identifiers: Orphanet 140162, MedGen C0027672, MeSH D009386, MONDO:0015356.

Submission:

Ambry Genetics
Classification: Uncertain significance for Hereditary cancer-predisposing syndrome. Last evaluated: 2026-04-04. Review status: criteria provided, single submitter. Criteria: Ambry Variant Classification Scheme 2023. Collection method: clinical testing. Allele origin: germline.
Comment: The p.M544L variant (also known as c.1630A>C), located in coding exon 13 of the POT1 gene, results from an A to C substitution at nucleotide position 1630. The methionine at codon 544 is replaced by leucine, an amino acid with highly similar properties. This amino acid position is conserved. In addition, this alteration is predicted to be tolerated by in silico analysis. Based on the available evidence, the clinical significance of this variant remains unclear.